The following is an entry in ClinVar:

NM_012243.3(SLC35A3):c.887G>A (p.Ser296Asn)

Gene: SLC35A3 (solute carrier family 35 member A3; plus strand). Cytogenetic location: 1p21.2.
Variant type: single nucleotide variant.
Coding change: c.887G>A on transcript NM_012243.3 (MANE Select); coding-DNA position 887, G replaced by A.
Protein change: p.Ser296Asn; replaces serine 296 with asparagine.
Molecular consequence: missense variant. On other transcripts: intron variant (1).
Genome position (GRCh38, 1-based): chr1:100,017,815, G>A. VCF-style: chr1-100017815-G-A. GRCh37 (hg19) VCF-style: chr1-100483371-G-A.
Other names: c.1013G>A, p.Ser338Asn (NM_001271685.2); c.635-4571G>A (NM_001271684.2); short protein forms S338N, S296N.
Identifiers: ClinVar variation 1041023 (VCV001041023.7), dbSNP rs1310530690, ClinGen allele CA341317687.

ClinVar aggregate classification (germline): Uncertain significance. Review status: criteria provided, single submitter (1 of 4 stars). 2 submissions from 2 submitters: Uncertain significance (1). 1 of the submissions does not count toward it. Last evaluated 2021-08-24.

Conditions:
Autism spectrum disorder - epilepsy - arthrogryposis syndrome (AMRS). Identifiers: Orphanet 370943, MedGen C3809910, MONDO:0014248, OMIM 615553.

Allele frequency attached by ClinVar (database versions not stated): gnomAD exomes below 0.00001.
gnomAD v4.1: 1 of 1,545,642 alleles (0.000065%); highest among the groups gnomAD compares: Admixed American, 0.0021%; no homozygotes.

Submissions (2):

Labcorp Genetics (formerly Invitae), Labcorp
Classification: Uncertain significance for Autism spectrum disorder - epilepsy - arthrogryposis syndrome. Last evaluated: 2021-08-24. Review status: criteria provided, single submitter. Criteria: Invitae Variant Classification Sherloc (09022015). Collection method: clinical testing. Allele origin: germline.
Comment: This sequence change replaces serine with asparagine at codon 296 of the SLC35A3 protein (p.Ser296Asn). The serine residue is moderately conserved and there is a small physicochemical difference between serine and asparagine. This variant also falls at the last nucleotide of exon 7, which is part of the consensus splice site for this exon. This variant is not present in population databases (ExAC no frequency). This variant has not been reported in the literature in individuals affected with SLC35A3-related conditions. Algorithms developed to predict the effect of missense changes on protein structure and function are either unavailable or do not agree on the potential impact of this missense change (SIFT: "Deleterious"; PolyPhen-2: "Benign"; Align-GVGD: "Class C0"). Variants that disrupt the consensus splice site are a relatively common cause of aberrant splicing (PMID: 17576681, 9536098). Algorithms developed to predict the effect of sequence changes on RNA splicing suggest that this variant may disrupt the consensus splice site. In summary, the available evidence is currently insufficient to determine the role of this variant in disease. Therefore, it has been classified as a Variant of Uncertain Significance.

Natera, Inc.
Classification: Uncertain significance for Arthrogryposis, mental retardation, and seizures. Last evaluated: 2021-06-23. Review status: no assertion criteria provided. Collection method: clinical testing. Allele origin: germline. Not counted in ClinVar's aggregate classification.

Literature cited by the submitters: PubMed 17576681 (cited by Labcorp Genetics (formerly Invitae), Labcorp); PubMed 9536098 (cited by Labcorp Genetics (formerly Invitae), Labcorp).